The following is an entry in ClinVar:

ClinVar aggregate classification (germline): Uncertain significance (1 of 4 stars; one submission).

Allele frequency attached by ClinVar (database versions not stated): gnomAD exomes below 0.00001; TOPMed below 0.00001; gnomAD 0.00001; ExAC 0.00002; 1000 Genomes Project 30x 0.00016; 1000 Genomes Project 0.00020.
gnomAD v4.1: 8 of 1,614,146 alleles (0.0005%); highest among the groups gnomAD compares: South Asian, 0.0011%; no homozygotes.

Submission:

Labcorp Genetics (formerly Invitae), Labcorp
Classification: Uncertain significance. Last evaluated: 2023-05-13. Review status: criteria provided, single submitter. Criteria: Invitae Variant Classification Sherloc (09022015). Collection method: clinical testing. Allele origin: germline.
Comment: In summary, the available evidence is currently insufficient to determine the role of this variant in disease. Therefore, it has been classified as a Variant of Uncertain Significance. Advanced modeling of protein sequence and biophysical properties (such as structural, functional, and spatial information, amino acid conservation, physicochemical variation, residue mobility, and thermodynamic stability) performed at Invitae indicates that this missense variant is not expected to disrupt FLNB protein function. This variant has not been reported in the literature in individuals affected with FLNB-related conditions. This variant is present in population databases (rs147116528, gnomAD 0.004%). This sequence change replaces aspartic acid, which is acidic and polar, with asparagine, which is neutral and polar, at codon 2358 of the FLNB protein (p.Asp2358Asn).

NM_001457.4(FLNB):c.7072G>A (p.Asp2358Asn)

Genes: FLNB (filamin B; plus strand), FLNB-AS1 (FLNB antisense RNA 1; minus strand). Cytogenetic location: 3p14.3.
Variant type: single nucleotide variant.
Coding change: c.7072G>A on transcript NM_001457.4 (MANE Select); coding-DNA position 7072, G replaced by A.
Protein change: p.Asp2358Asn; replaces aspartic acid 2358 with asparagine.
Molecular consequence: missense variant. On other transcripts: non-coding transcript variant (1).
Genome position (GRCh38, 1-based): chr3:58,163,204, G>A. VCF-style: chr3-58163204-G-A. GRCh37 (hg19) VCF-style: chr3-58148931-G-A.
Other names: c.7165G>A, p.Asp2389Asn (NM_001164317.2); c.7039G>A, p.Asp2347Asn (NM_001164318.2); c.7000G>A, p.Asp2334Asn (NM_001164319.2); short protein forms D2334N, D2347N, D2358N, D2389N.
Identifiers: ClinVar variation 2883408 (VCV002883408.3), dbSNP rs147116528, ClinGen allele CA2469598.